The following is an entry in ClinVar:

NM_012064.4(MIP):c.606+1G>A

Gene: MIP (major intrinsic protein of lens fiber; minus strand). Cytogenetic location: 12q13.3.
Variant type: single nucleotide variant.
Coding change: c.606+1G>A on transcript NM_012064.4 (MANE Select); the canonical splice donor site of the intron after coding-DNA position 606, G replaced by A.
Molecular consequence: splice donor variant.
Genome position (GRCh38, 1-based): chr12:56,453,071, C>T on the plus strand (G>A on the coding strand, the complement: MIP is on the minus strand). VCF-style: chr12-56453071-C-T. GRCh37 (hg19) VCF-style: chr12-56846855-C-T.
Other names: c.606+1G>A (NM_012064.3).
Identifiers: ClinVar variation 1684886 (VCV001684886.2), dbSNP rs1220143491, ClinGen allele CA385270291.

ClinVar aggregate classification (germline): Conflicting classifications of pathogenicity. Review status: criteria provided, conflicting classifications (1 of 4 stars). 2 submissions from 2 submitters: Likely pathogenic (1); Uncertain significance (1). Last evaluated 2024-11-14.

Conditions:
Inborn genetic diseases. Identifiers: MedGen C0950123, MeSH D030342.

Allele frequency attached by ClinVar (database versions not stated): gnomAD exomes below 0.00001.

Submissions (2):

Ambry Genetics
Classification: Likely pathogenic for Inborn genetic diseases. Last evaluated: 2024-11-14. Review status: criteria provided, single submitter. Criteria: Ambry Variant Classification Scheme 2023. Collection method: clinical testing. Allele origin: germline.
Comment: The c.606+1G>A intronic variant results from a G to A substitution one nucleotide after exon 3 of the MIP gene. Alterations that disrupt the canonical splice site are expected to result in aberrant splicing. The resulting transcript is predicted to be in-frame and is not expected to trigger nonsense-mediated mRNAdecay. Loss-of-function of MIP has not been established as a mechanism of disease. Based on data from gnomAD, the A allele has an overall frequency of <0.001% (1/251488) total alleles studied. The highest observed frequency was 0.001% (1/113766) of European (non-Finnish) alleles. This variant segregated with disease in at least one family with features consistent with MIP-related congenital cataract (Zeng, 2013). This nucleotide position is highly conserved in available vertebrate species. RNA studies have demonstrated that this alteration results in abnormal splicing (Zeng, 2013). In silico splice site analysis predicts that this alteration will weaken the native splice donor site. Based on the available evidence, this alteration is classified as likely pathogenic.

Mendelics
Classification: Uncertain significance. Last evaluated: 2022-05-04. Review status: criteria provided, single submitter. Criteria: Mendelics Assertion Criteria 2019. Collection method: clinical testing. Allele origin: germline.

Literature cited by the submitters: PubMed 24319327 (cited by Ambry Genetics).